The following is an entry in ClinVar:

NM_172364.5(CACNA2D4):c.1644+6C>T

Gene: CACNA2D4 (calcium voltage-gated channel auxiliary subunit alpha2delta 4; minus strand). Cytogenetic location: 12p13.33.
Variant type: single nucleotide variant.
Coding change: c.1644+6C>T on transcript NM_172364.5 (MANE Select); 6 bases into the intron after coding-DNA position 1644, C replaced by T.
Molecular consequence: intron variant.
Genome position (GRCh38, 1-based): chr12:1,878,950, G>A on the plus strand (C>T on the coding strand, the complement: CACNA2D4 is on the minus strand). VCF-style: chr12-1878950-G-A. GRCh37 (hg19) VCF-style: chr12-1988116-G-A.
Identifiers: ClinVar variation 3675890 (VCV003675890.2).
Genomic context (GRCh38, chr12:1,878,950, plus strand): 5'-ATCACGGGGGAGGGAGTTTGCTCCTGGGGAACCTGTGATCCCCACAGGGAACAGACCCAG[G>A]CTCACCTTGTACCGGGGCGCCAGCTTCATCAGCTCTCTCAGGGCCACATCTGAGCCCACC-3'

ClinVar aggregate classification (germline): Uncertain significance (1 of 4 stars; one submission).

gnomAD v4.1: 1 of 1,612,948 alleles (0.000062%); highest among the groups gnomAD compares: Middle Eastern, 0.017%; no homozygotes.

Submission:

Labcorp Genetics (formerly Invitae), Labcorp
Classification: Uncertain significance. Last evaluated: 2024-10-10. Review status: criteria provided, single submitter. Criteria: Invitae Variant Classification Sherloc (09022015). Collection method: clinical testing. Allele origin: germline.
Comment: This sequence change falls in intron 15 of the CACNA2D4 gene. It does not directly change the encoded amino acid sequence of the CACNA2D4 protein. It affects a nucleotide within the consensus splice site. This variant is not present in population databases (gnomAD no frequency). This variant has not been reported in the literature in individuals affected with CACNA2D4-related conditions. Variants that disrupt the consensus splice site are a relatively common cause of aberrant splicing (PMID: 17576681, 9536098). Algorithms developed to predict the effect of sequence changes on RNA splicing suggest that this variant is not likely to affect RNA splicing. In summary, the available evidence is currently insufficient to determine the role of this variant in disease. Therefore, it has been classified as a Variant of Uncertain Significance.

Literature cited by the submitters: PubMed 17576681; PubMed 9536098.